The following is an entry in ClinVar:

ClinVar aggregate classification (germline): Uncertain significance (1 of 4 stars; one submission).

Conditions:
Neuropathy, hereditary sensory and autonomic, type 1C. Also called: HSAN IC; HSN IC. Identifiers: Orphanet 36386, MedGen C3150896, MONDO:0013337, OMIM 613640.

Submission:

Labcorp Genetics (formerly Invitae), Labcorp
Classification: Uncertain significance for Neuropathy, hereditary sensory and autonomic, type 1C. Last evaluated: 2022-08-31. Review status: criteria provided, single submitter. Criteria: Invitae Variant Classification Sherloc (09022015). Collection method: clinical testing. Allele origin: germline.
Comment: This variant has not been reported in the literature in individuals affected with SPTLC2-related conditions. This variant is not present in population databases (gnomAD no frequency). This sequence change replaces alanine, which is neutral and non-polar, with threonine, which is neutral and polar, at codon 405 of the SPTLC2 protein (p.Ala405Thr). ClinVar contains an entry for this variant (Variation ID: 948930). In summary, the available evidence is currently insufficient to determine the role of this variant in disease. Therefore, it has been classified as a Variant of Uncertain Significance. Algorithms developed to predict the effect of missense changes on protein structure and function (SIFT, PolyPhen-2, Align-GVGD) all suggest that this variant is likely to be tolerated.

NM_004863.4(SPTLC2):c.1213G>A (p.Ala405Thr)

Gene: SPTLC2 (serine palmitoyltransferase long chain base subunit 2; minus strand). Cytogenetic location: 14q24.3.
Variant type: single nucleotide variant.
Coding change: c.1213G>A on transcript NM_004863.4 (MANE Select); coding-DNA position 1213, G replaced by A.
Protein change: p.Ala405Thr; replaces alanine 405 with threonine.
Molecular consequence: missense variant.
Genome position (GRCh38, 1-based): chr14:77,552,186, C>T on the plus strand (G>A on the coding strand, the complement: SPTLC2 is on the minus strand). VCF-style: chr14-77552186-C-T. GRCh37 (hg19) VCF-style: chr14-78018529-C-T.
Other names: short protein forms A405T.
Identifiers: ClinVar variation 948930 (VCV000948930.9), dbSNP rs2079559039, ClinGen allele CA390707295.